The following is an entry in ClinVar:

ClinVar aggregate classification (germline): Uncertain significance (1 of 4 stars; one submission).

Conditions:
Multiple endocrine neoplasia, type 2 (MEN2). Identifiers: Orphanet 653, MedGen C4048306, MONDO:0019003. Disease mechanism: gain of function.

Submission:

Labcorp Genetics (formerly Invitae), Labcorp
Classification: Uncertain significance for Multiple endocrine neoplasia, type 2. Last evaluated: 2021-12-16. Review status: criteria provided, single submitter. Criteria: Invitae Variant Classification Sherloc (09022015). Collection method: clinical testing. Allele origin: germline.
Comment: This variant is not present in population databases (gnomAD no frequency). This sequence change replaces glycine, which is neutral and non-polar, with tryptophan, which is neutral and slightly polar, at codon 550 of the RET protein (p.Gly550Trp). This variant also falls at the last nucleotide of exon 8, which is part of the consensus splice site for this exon. This variant has not been reported in the literature in individuals affected with RET-related conditions. In summary, the available evidence is currently insufficient to determine the role of this variant in disease. Therefore, it has been classified as a Variant of Uncertain Significance. Variants that disrupt the consensus splice site are a relatively common cause of aberrant splicing (PMID: 17576681, 9536098). Algorithms developed to predict the effect of sequence changes on RNA splicing suggest that this variant may disrupt the consensus splice site. Algorithms developed to predict the effect of missense changes on protein structure and function are either unavailable or do not agree on the potential impact of this missense change (SIFT: "Deleterious"; PolyPhen-2: "Probably Damaging"; Align-GVGD: "Class C0").

Literature cited by the submitters: PubMed 17576681; PubMed 9536098.

NM_020975.6(RET):c.1648G>T (p.Gly550Trp)

Gene: RET (ret proto-oncogene; plus strand). Cytogenetic location: 10q11.21.
Variant type: single nucleotide variant.
Coding change: c.1648G>T on transcript NM_020975.6 (MANE Select); coding-DNA position 1648, G replaced by T.
Protein change: p.Gly550Trp; replaces glycine 550 with tryptophan.
Molecular consequence: missense variant.
Genome position (GRCh38, 1-based): chr10:43,112,224, G>T. VCF-style: chr10-43112224-G-T. GRCh37 (hg19) VCF-style: chr10-43607672-G-T.
Other names: c.1252G>T, p.Gly418Trp (NM_001406769.1, NM_001406772.1); c.1360G>T, p.Gly454Trp (NM_001406770.1, NM_001406766.1, NM_001406767.1); c.1210G>T, p.Gly404Trp (NM_001406771.1, NM_001406773.1); c.1123G>T, p.Gly375Trp (NM_001406774.1); c.922G>T, p.Gly308Trp (NM_001406775.1, NM_001406776.1, NM_001406777.1 and 1 more transcripts); c.1648G>T, p.Gly550Trp (NM_000323.2, NM_001406743.1, NM_001406744.1 and 6 more transcripts); c.886G>T, p.Gly296Trp (NM_001355216.2); c.1519G>T, p.Gly507Trp (NM_001406761.1, NM_001406762.1, NM_001406764.1 and 1 more transcripts); and 5 more; short protein forms G208W, G220W, G251W, G375W, G550W, G155W, G296W, G404W.
Identifiers: ClinVar variation 2044491 (VCV002044491.4), dbSNP rs2132802283, ClinGen allele CA376550914.